The following is an entry in ClinVar:

NM_002291.3(LAMB1):c.2501A>G (p.Asn834Ser)

Gene: LAMB1 (laminin subunit beta 1; minus strand). Cytogenetic location: 7q31.1.
Variant type: single nucleotide variant.
Coding change: c.2501A>G on transcript NM_002291.3 (MANE Select); coding-DNA position 2501, A replaced by G.
Protein change: p.Asn834Ser; replaces asparagine 834 with serine.
Molecular consequence: missense variant.
Genome position (GRCh38, 1-based): chr7:107,959,438, T>C on the plus strand (A>G on the coding strand, the complement: LAMB1 is on the minus strand). VCF-style: chr7-107959438-T-C. GRCh37 (hg19) VCF-style: chr7-107599883-T-C.
Other names: c.2501A>G (NM_002291.2); short protein forms N834S.
Identifiers: ClinVar variation 2071498 (VCV002071498.6), dbSNP rs552782957, ClinGen allele CA4435608.

ClinVar aggregate classification (germline): Conflicting classifications of pathogenicity. Review status: criteria provided, conflicting classifications (1 of 4 stars). 2 submissions from 2 submitters: Uncertain significance (1); Likely benign (1). Last evaluated 2026-05-08.

Conditions:
Inborn genetic diseases. Identifiers: MedGen C0950123, MeSH D030342.

Allele frequency attached by ClinVar (database versions not stated): ExAC 0.00002; gnomAD 0.00004; TOPMed 0.00005; 1000 Genomes Project 30x 0.00016; 1000 Genomes Project 0.00020.

Submissions (2):

Ambry Genetics
Classification: Likely benign for Inborn genetic diseases. Last evaluated: 2026-05-08. Review status: criteria provided, single submitter. Criteria: Ambry Variant Classification Scheme 2023. Collection method: clinical testing. Allele origin: germline.

Labcorp Genetics (formerly Invitae), Labcorp
Classification: Uncertain significance. Last evaluated: 2024-08-15. Review status: criteria provided, single submitter. Criteria: Invitae Variant Classification Sherloc (09022015). Collection method: clinical testing. Allele origin: germline.
Comment: This sequence change replaces asparagine, which is neutral and polar, with serine, which is neutral and polar, at codon 834 of the LAMB1 protein (p.Asn834Ser). This variant is present in population databases (rs552782957, gnomAD 0.004%). This variant has not been reported in the literature in individuals affected with LAMB1-related conditions. ClinVar contains an entry for this variant (Variation ID: 2071498). An algorithm developed to predict the effect of missense changes on protein structure and function (PolyPhen-2) suggests that this variant is likely to be tolerated. In summary, the available evidence is currently insufficient to determine the role of this variant in disease. Therefore, it has been classified as a Variant of Uncertain Significance.